The following is an entry in ClinVar:

ClinVar aggregate classification (germline): Likely benign. Review status: criteria provided, multiple submitters, no conflicts (2 of 4 stars). 4 submissions from 4 submitters: Likely benign (4). Last evaluated 2025-04-22.

Conditions:
Cardiovascular phenotype. Identifiers: MedGen CN230736.
Autosomal recessive limb-girdle muscular dystrophy type 2J (LGMDR10). Also called: Limb-girdle muscular dystrophy, type 2J; MUSCULAR DYSTROPHY, LIMB-GIRDLE, AUTOSOMAL RECESSIVE 10. Identifiers: Orphanet 140922, MedGen C1837342, MONDO:0012127, OMIM 608807.
Dilated cardiomyopathy 1G (CMD1G). Identifiers: Orphanet 154, MedGen C1858763, MONDO:0011400, OMIM 604145.

Allele frequency attached by ClinVar (database versions not stated): gnomAD exomes below 0.00001 and 0.00001; gnomAD 0.00001 and 0.00003; ExAC 0.00002; 1000 Genomes Project 0.00060; 1000 Genomes Project 30x 0.00062.
gnomAD v4.1: 8 of 1,613,860 alleles (0.0005%); highest among the groups gnomAD compares: East Asian, 0.016%; no homozygotes.

Submissions (4):

Labcorp Genetics (formerly Invitae), Labcorp
Classification: Likely benign for Dilated cardiomyopathy 1G; Autosomal recessive limb-girdle muscular dystrophy type 2J. Last evaluated: 2025-04-22. Review status: criteria provided, single submitter. Criteria: Invitae Variant Classification Sherloc (09022015). Collection method: clinical testing. Allele origin: germline.

Ambry Genetics
Classification: Likely benign for Cardiovascular phenotype. Last evaluated: 2024-09-11. Review status: criteria provided, single submitter. Criteria: Ambry Variant Classification Scheme 2023. Collection method: clinical testing. Allele origin: germline.

Laboratory for Molecular Medicine, Mass General Brigham Personalized Medicine
Classification: Likely benign. Last evaluated: 2015-10-01. Review status: criteria provided, single submitter. Criteria: LMM Criteria. Collection method: clinical testing. Allele origin: germline. Observed: 1 variant allele.
Comment: p.Glu28772Glu in exon 288 of TTN: This variant is not expected to have clinical significance because it does not alter an amino acid residue and is not located within the splice consensus sequence. It has been identified in 3/8576 East Asia n chromosomes by the Exome Aggregation Consortium (ExAC; dbSNP rs547439339).

PreventionGenetics, part of Exact Sciences
Classification: Likely benign. Review status: criteria provided, single submitter. Criteria: ACMG Guidelines, 2015. Collection method: clinical testing. Allele origin: germline.

NM_001267550.2(TTN):c.94020A>G (p.Glu31340=)

Genes: TTN (titin; minus strand), TTN-AS1 (TTN antisense RNA 1; plus strand). Cytogenetic location: 2q31.2.
Variant type: single nucleotide variant.
Coding change: c.94020A>G on transcript NM_001267550.2 (MANE Select); coding-DNA position 94020, A replaced by G.
Protein change: p.Glu31340=; no amino-acid change (glutamic acid 31340 retained).
Molecular consequence: synonymous variant.
Genome position (GRCh38, 1-based): chr2:178,547,606, T>C on the plus strand (A>G on the coding strand, the complement: TTN is on the minus strand). VCF-style: chr2-178547606-T-C. GRCh37 (hg19) VCF-style: chr2-179412333-T-C.
Other names: c.86316A>G, p.Glu28772= (NM_133378.4); c.89097A>G, p.Glu29699= (NM_001256850.1); c.66825A>G, p.Glu22275= (NM_003319.4); c.67200A>G, p.Glu22400= (NM_133432.3); c.67401A>G, p.Glu22467= (NM_133437.4).
Identifiers: ClinVar variation 228168 (VCV000228168.15), dbSNP rs547439339, ClinGen allele CA1987214.